The following is an entry in ClinVar:

ClinVar aggregate classification (germline): Uncertain significance. Review status: criteria provided, multiple submitters, no conflicts (2 of 4 stars). 2 submissions from 2 submitters: Uncertain significance (2). Last evaluated 2025-04-30.

Conditions:
Inborn genetic diseases. Identifiers: MedGen C0950123, MeSH D030342.

Allele frequency attached by ClinVar (database versions not stated): gnomAD 0.00003; ExAC 0.00005.
gnomAD v4.1: 40 of 1,608,218 alleles (0.0025%); highest among the groups gnomAD compares: Admixed American, 0.0034%; no homozygotes.

Submissions (2):

Labcorp Genetics (formerly Invitae), Labcorp
Classification: Uncertain significance. Last evaluated: 2025-04-30. Review status: criteria provided, single submitter. Criteria: Invitae Variant Classification Sherloc (09022015). Collection method: clinical testing. Allele origin: germline.
Comment: This sequence change replaces arginine, which is basic and polar, with glutamine, which is neutral and polar, at codon 65 of the DDRGK1 protein (p.Arg65Gln). This variant is present in population databases (rs753161086, gnomAD 0.009%). This variant has not been reported in the literature in individuals affected with DDRGK1-related conditions. ClinVar contains an entry for this variant (Variation ID: 1353864). An algorithm developed to predict the effect of missense changes on protein structure and function (PolyPhen-2) suggests that this variant is likely to be disruptive. In summary, the available evidence is currently insufficient to determine the role of this variant in disease. Therefore, it has been classified as a Variant of Uncertain Significance.

Ambry Genetics
Classification: Uncertain significance for Inborn genetic diseases. Last evaluated: 2023-12-30. Review status: criteria provided, single submitter. Criteria: Ambry Variant Classification Scheme 2023. Collection method: clinical testing. Allele origin: germline.

NM_023935.3(DDRGK1):c.194G>A (p.Arg65Gln)

Gene: DDRGK1 (DDRGK domain containing 1; minus strand). Cytogenetic location: 20p13.
Variant type: single nucleotide variant.
Coding change: c.194G>A on transcript NM_023935.3 (MANE Select); coding-DNA position 194, G replaced by A.
Protein change: p.Arg65Gln; replaces arginine 65 with glutamine.
Molecular consequence: missense variant.
Genome position (GRCh38, 1-based): chr20:3,203,314, C>T on the plus strand (G>A on the coding strand, the complement: DDRGK1 is on the minus strand). VCF-style: chr20-3203314-C-T. GRCh37 (hg19) VCF-style: chr20-3183960-C-T.
Other names: c.194G>A (NM_023935.1); short protein forms R65Q.
Identifiers: ClinVar variation 1353864 (VCV001353864.9), dbSNP rs753161086, ClinGen allele CA9741009.